The following is an entry in ClinVar:

NM_001277115.2(DNAH11):c.9688G>A (p.Gly3230Arg)

Gene: DNAH11 (dynein axonemal heavy chain 11; plus strand). Cytogenetic location: 7p15.3.
Variant type: single nucleotide variant.
Coding change: c.9688G>A on transcript NM_001277115.2 (MANE Select); coding-DNA position 9688, G replaced by A.
Protein change: p.Gly3230Arg; replaces glycine 3230 with arginine.
Molecular consequence: missense variant.
Genome position (GRCh38, 1-based): chr7:21,786,714, G>A. VCF-style: chr7-21786714-G-A. GRCh37 (hg19) VCF-style: chr7-21826332-G-A.
Other names: short protein forms G3230R.
Identifiers: ClinVar variation 4802459 (VCV004802459.1).

ClinVar aggregate classification (germline): Uncertain significance (1 of 4 stars; one submission).

Conditions:
Primary ciliary dyskinesia. Also called: Ciliary dyskinesia. Identifiers: Orphanet 244, MedGen C0008780, MONDO:0016575, HP:0012265.

Submission:

Labcorp Genetics (formerly Invitae), Labcorp
Classification: Uncertain significance for Primary ciliary dyskinesia. Last evaluated: 2025-12-23. Review status: criteria provided, single submitter. Criteria: Invitae Variant Classification Sherloc (09022015). Collection method: clinical testing. Allele origin: germline.
Comment: This sequence change replaces glycine, which is neutral and non-polar, with arginine, which is basic and polar, at codon 3230 of the DNAH11 protein (p.Gly3230Arg). This variant is not present in population databases (gnomAD no frequency). This variant has not been reported in the literature in individuals affected with DNAH11-related conditions. Invitae Evidence Modeling of protein sequence and biophysical properties (such as structural, functional, and spatial information, amino acid conservation, physicochemical variation, residue mobility, and thermodynamic stability) has been performed for this missense variant. However, the output from this modeling did not meet the statistical confidence thresholds required to predict the impact of this variant on DNAH11 protein function. In summary, the available evidence is currently insufficient to determine the role of this variant in disease. Therefore, it has been classified as a Variant of Uncertain Significance.